The following is an entry in ClinVar:

NM_000268.4(NF2):c.1676del (p.Asp559fs)

Gene: NF2 (NF2, moesin-ezrin-radixin like (MERLIN) tumor suppressor; plus strand). Cytogenetic location: 22q12.2.
Variant type: Deletion.
Coding change: c.1676del on transcript NM_000268.4 (MANE Select); coding-DNA position 1676, one base deleted (A; older notation c.1676delA).
Protein change: p.Asp559fs; shifts the reading frame from aspartic acid 559.
Molecular consequence: frameshift variant. On other transcripts: non-coding transcript variant (1), intron variant (1).
Genome position (GRCh38, 1-based): chr22:29,681,540, A deleted. VCF-style (leftmost placement, unchanged base first): chr22-29681539-GA-G. GRCh37 (hg19) VCF-style: chr22-30077528-GA-G.
Other names: c.1562delA, p.Asp521Valfs (NM_001407053.1, NM_001407056.1); c.1553delA, p.Asp518Valfs (NM_001407054.1, NM_001407058.1); c.1550delA, p.Asp517Valfs (NM_001407055.1); c.1541delA, p.Asp514Valfs (NM_001407057.1, NM_001407059.1); c.1418delA, p.Asp473Valfs (NM_001407062.1); c.1427delA, p.Asp476Valfs (NM_001407063.1); c.1142delA, p.Asp381Valfs (NM_001407065.1); c.1676delA, p.Asp559Valfs (NM_001407066.1); and 6 more; short protein forms D559fs, D518fs, D476fs, D517fs.
Identifiers: ClinVar variation 2134361 (VCV002134361.4), dbSNP rs2518735586, ClinGen allele CA2580099560.

ClinVar aggregate classification (germline): Uncertain significance (1 of 4 stars; one submission).

Conditions:
Neurofibromatosis, type 2 (SWNV). Also called: SCHWANNOMATOSIS, VESTIBULAR; BILATERAL ACOUSTIC NEUROFIBROMATOSIS; NF2-Related Schwannomatosis. Identifiers: Orphanet 637, MedGen C0027832, MONDO:0007039, OMIM 101000. Disease mechanism: loss of function.

Submission:

Labcorp Genetics (formerly Invitae), Labcorp
Classification: Uncertain significance for Neurofibromatosis, type 2. Last evaluated: 2022-05-05. Review status: criteria provided, single submitter. Criteria: Invitae Variant Classification Sherloc (09022015). Collection method: clinical testing. Allele origin: germline.
Comment: This variant is not present in population databases (gnomAD no frequency). In summary, the available evidence is currently insufficient to determine the role of this variant in disease. Therefore, it has been classified as a Variant of Uncertain Significance. This variant has not been reported in the literature in individuals affected with NF2-related conditions. This sequence change results in a frameshift in the NF2 gene (p.Asp559Valfs*40). While this is not anticipated to result in nonsense mediated decay, it is expected to disrupt the last 37 amino acid(s) of the NF2 protein and extend the protein by 2 additional amino acid residues.